The following is an entry in ClinVar:

ClinVar aggregate classification (germline): Uncertain significance (1 of 4 stars; one submission).

Conditions:
Cardiovascular phenotype. Identifiers: MedGen CN230736.

Submission:

Ambry Genetics
Classification: Uncertain significance for Cardiovascular phenotype. Last evaluated: 2026-03-11. Review status: criteria provided, single submitter. Criteria: Ambry Variant Classification Scheme 2023. Collection method: clinical testing. Allele origin: germline.
Comment: The p.H422P variant (also known as c.1265A>C), located in coding exon 11 of the PRDM5 gene, results from an A to C substitution at nucleotide position 1265. The histidine at codon 422 is replaced by proline, an amino acid with similar properties. This amino acid position is conserved. In addition, this alteration is predicted to be deleterious by in silico analysis. Based on the available evidence, the clinical significance of this variant remains unclear.

NM_018699.4(PRDM5):c.1265A>C (p.His422Pro)

Gene: PRDM5 (PR/SET domain 5; minus strand). Cytogenetic location: 4q27.
Variant type: single nucleotide variant.
Coding change: c.1265A>C on transcript NM_018699.4 (MANE Select); coding-DNA position 1265, A replaced by C.
Protein change: p.His422Pro; replaces histidine 422 with proline.
Molecular consequence: missense variant.
Genome position (GRCh38, 1-based): chr4:120,785,015, T>G on the plus strand (A>C on the coding strand, the complement: PRDM5 is on the minus strand). VCF-style: chr4-120785015-T-G. GRCh37 (hg19) VCF-style: chr4-121706170-T-G.
Other names: c.1172A>C, p.His391Pro (NM_001300824.2, NM_001379106.1, NM_001300823.2); c.1298A>C, p.His433Pro (NM_001379104.1); short protein forms H391P, H422P, H433P.
Identifiers: ClinVar variation 4826532 (VCV004826532.1).